The following is an entry in ClinVar:

ClinVar aggregate classification (germline): Benign/Likely benign. Review status: criteria provided, multiple submitters, no conflicts (2 of 4 stars). 5 submissions from 5 submitters: Benign (1); Likely benign (4). Last evaluated 2026-01-01.

Conditions:
Cerebral palsy, spastic quadriplegic, 2 (CPSQ2). Identifiers: Orphanet 210141, MedGen C2752061, MONDO:0013033, OMIM 612900.

Allele frequency attached by ClinVar (database versions not stated): 1000 Genomes Project 0.00260; gnomAD 0.00260 and 0.00277; gnomAD exomes 0.00035 and 0.00086; ExAC 0.00093; ESP Exome Variant Server 0.00254; TOPMed 0.00272; 1000 Genomes Project 30x 0.00359.
gnomAD v4.1: 939 of 1,614,128 alleles (0.058%); highest among the groups gnomAD compares: African/African-American, 0.86%; 3 homozygotes.

Submissions (5):

CeGaT Center for Human Genetics Tuebingen
Classification: Likely benign. Last evaluated: 2026-01-01. Review status: criteria provided, single submitter. Criteria: CeGaT Center For Human Genetics Tuebingen Variant Classification Criteria Version 2. Collection method: clinical testing. Allele origin: germline. Affected: yes. Observed: 2 variant alleles.
Comment: KANK1: BP4, BP7

Labcorp Genetics (formerly Invitae), Labcorp
Classification: Benign. Last evaluated: 2025-12-10. Review status: criteria provided, single submitter. Criteria: Invitae Variant Classification Sherloc (09022015). Collection method: clinical testing. Allele origin: germline.

Fulgent Genetics
Classification: Likely benign for Cerebral palsy, spastic quadriplegic, 2. Last evaluated: 2021-07-24. Review status: criteria provided, single submitter. Criteria: ACMG Guidelines, 2015. Collection method: clinical testing. Allele origin: unknown.

GeneDx
Classification: Likely benign. Last evaluated: 2021-05-03. Review status: criteria provided, single submitter. Criteria: GeneDx Variant Classification Process June 2021. Collection method: clinical testing. Allele origin: germline. Affected: yes.

Breakthrough Genomics
Classification: Likely benign. Review status: criteria provided, single submitter. Criteria: ACMG Guidelines, 2015. Collection method: not provided. Allele origin: germline. Inheritance: Unknown mechanism. Affected: yes.

NM_015158.5(KANK1):c.1377G>A (p.Gln459=)

Gene: KANK1 (KN motif and ankyrin repeat domains 1; plus strand). Cytogenetic location: 9p24.3.
Variant type: single nucleotide variant.
Coding change: c.1377G>A on transcript NM_015158.5 (MANE Select); coding-DNA position 1377, G replaced by A.
Protein change: p.Gln459=; no amino-acid change (glutamine 459 retained).
Molecular consequence: synonymous variant. On other transcripts: non-coding transcript variant (1).
Genome position (GRCh38, 1-based): chr9:712,143, G>A. VCF-style: chr9-712143-G-A. GRCh37 (hg19) VCF-style: chr9-712143-G-A.
Other names: c.1377G>A, p.Gln459= (NM_001256876.3, NM_001256877.3, NM_001354331.2 and 2 more transcripts); c.903G>A, p.Gln301= (NM_001354333.2, NM_001354335.2, NM_001354336.2 and 9 more transcripts).
Identifiers: ClinVar variation 708379 (VCV000708379.36), dbSNP rs114868002, ClinGen allele CA4960203.